The following is an entry in ClinVar:

ClinVar aggregate classification (germline): Uncertain significance. Review status: criteria provided, multiple submitters, no conflicts (2 of 4 stars). 2 submissions from 2 submitters: Uncertain significance (2). Last evaluated 2025-06-30.

Conditions:
Hypertrophic cardiomyopathy. Also called: HYPERTROPHIC MYOCARDIOPATHY. Identifiers: Orphanet 217569, MedGen C0007194, MeSH D002312, MONDO:0005045, HP:0001639.
Cardiomyopathy (CMYO). Also called: Cardiomyopathies. Identifiers: Orphanet 167848, MedGen C0878544, MONDO:0004994, HP:0001638. Inheritance: Various modes of inheritance.

Allele frequency attached by ClinVar (database versions not stated): gnomAD exomes below 0.00001.
gnomAD v4.1: 1 of 1,576,818 alleles (0.000063%); highest among the groups gnomAD compares: Non-Finnish European, 0.000086%; no homozygotes.

Submissions (2):

Color Diagnostics, LLC DBA Color Health
Classification: Uncertain significance for Cardiomyopathy. Last evaluated: 2025-06-30. Review status: criteria provided, single submitter. Criteria: ACMG Guidelines, 2015. Collection method: clinical testing. Allele origin: germline.
Comment: This missense variant replaces glutamine with arginine at codon 76 of the MYBPC3 protein. Computational prediction suggests that this variant may not impact protein structure and function. To our knowledge, functional studies have not been reported for this variant. This variant has not been reported in individuals affected with MYBPC3-related disorders in the literature. This variant has not been identified in the general population by the Genome Aggregation Database (gnomAD). The available evidence is insufficient to determine the role of this variant in disease conclusively. Therefore, this variant is classified as a Variant of Uncertain Significance.

Labcorp Genetics (formerly Invitae), Labcorp
Classification: Uncertain significance for Hypertrophic cardiomyopathy. Last evaluated: 2023-08-31. Review status: criteria provided, single submitter. Criteria: Invitae Variant Classification Sherloc (09022015). Collection method: clinical testing. Allele origin: germline.
Comment: In summary, the available evidence is currently insufficient to determine the role of this variant in disease. Therefore, it has been classified as a Variant of Uncertain Significance. An algorithm developed to predict the effect of missense changes on protein structure and function (PolyPhen-2) suggests that this variant is likely to be disruptive. ClinVar contains an entry for this variant (Variation ID: 1953043). This sequence change replaces glutamine, which is neutral and polar, with arginine, which is basic and polar, at codon 76 of the MYBPC3 protein (p.Gln76Arg). This variant has not been reported in the literature in individuals affected with MYBPC3-related conditions. This variant is not present in population databases (gnomAD no frequency).

NM_000256.3(MYBPC3):c.227A>G (p.Gln76Arg)

Gene: MYBPC3 (myosin binding protein C3; minus strand). Cytogenetic location: 11p11.2.
Variant type: single nucleotide variant.
Coding change: c.227A>G on transcript NM_000256.3 (MANE Select); coding-DNA position 227, A replaced by G.
Protein change: p.Gln76Arg; replaces glutamine 76 with arginine.
Molecular consequence: missense variant.
Genome position (GRCh38, 1-based): chr11:47,351,304, T>C on the plus strand (A>G on the coding strand, the complement: MYBPC3 is on the minus strand). VCF-style: chr11-47351304-T-C. GRCh37 (hg19) VCF-style: chr11-47372855-T-C.
Other names: short protein forms Q76R.
Identifiers: ClinVar variation 1953043 (VCV001953043.5), dbSNP rs2495785929, ClinGen allele CA380341674.
Genomic context (GRCh38, chr11:47,351,304, plus strand): 5'-TCTATGACCTTGAGGTCGAACTTGACCTTGGAGGAGCCAGCAATGACTGCGTAAGATCCC[T>C]GGTCGGCAGGGCCCACTTCCCGCACTGTCAGCGTATGCCGTGTGCCCTCTGTGGCCAGGC-3'
Protein context (NP_000247.2, residues 66-86): LTVREVGPAD[Gln76Arg]GSYAVIAGSS